The following is an entry in ClinVar:

ClinVar aggregate classification (germline): Uncertain significance. Review status: criteria provided, multiple submitters, no conflicts (2 of 4 stars). 3 submissions from 3 submitters: Uncertain significance (3). Last evaluated 2026-07-06.

Conditions:
Hereditary cancer-predisposing syndrome. Also called: Hereditary Cancer Syndrome; Tumor predisposition; Neoplastic Syndromes, Hereditary; Hereditary neoplastic syndrome. Identifiers: Orphanet 140162, MedGen C0027672, MeSH D009386, MONDO:0015356.
Global developmental delay - lung cysts - overgrowth - Wilms tumor syndrome. Also called: GLOW Syndrome; GLOBAL DEVELOPMENTAL DELAY, LUNG CYSTS, OVERGROWTH, AND WILMS TUMOR. Identifiers: Orphanet 404476, MedGen C4748924, MONDO:0018445, OMIM 618272.
DICER1-related tumor predisposition. Also called: DICER1-related pleuropulmonary blastoma cancer predisposition syndrome; DICER1 syndrome. Identifiers: Orphanet 284343, MedGen C3839822, MONDO:0100216.

Allele frequency attached by ClinVar (database versions not stated): gnomAD 0.00001; TOPMed below 0.00001.
gnomAD v4.1: 1 of 1,614,062 alleles (0.000062%); highest among the groups gnomAD compares: Non-Finnish European, 0.000085%; no homozygotes.

Submissions (3):

Ambry Genetics
Classification: Uncertain significance for Hereditary cancer-predisposing syndrome. Last evaluated: 2026-07-06. Review status: criteria provided, single submitter. Criteria: Ambry Variant Classification Scheme 2023. Collection method: clinical testing. Allele origin: germline.
Comment: The p.H1767R variant (also known as c.5300A>G), located in coding exon 23 of the DICER1 gene, results from an A to G substitution at nucleotide position 5300. The histidine at codon 1767 is replaced by arginine, an amino acid with highly similar properties. This amino acid position is conserved. In addition, the in silico prediction for this alteration is inconclusive. Based on the available evidence, the clinical significance of this variant remains unclear.

Labcorp Genetics (formerly Invitae), Labcorp
Classification: Uncertain significance for DICER1-related tumor predisposition. Last evaluated: 2024-06-11. Review status: criteria provided, single submitter. Criteria: Invitae Variant Classification Sherloc (09022015). Collection method: clinical testing. Allele origin: germline.
Comment: This sequence change replaces histidine, which is basic and polar, with arginine, which is basic and polar, at codon 1767 of the DICER1 protein (p.His1767Arg). This variant is not present in population databases (gnomAD no frequency). This variant has not been reported in the literature in individuals affected with DICER1-related conditions. ClinVar contains an entry for this variant (Variation ID: 1475164). Advanced modeling of protein sequence and biophysical properties (such as structural, functional, and spatial information, amino acid conservation, physicochemical variation, residue mobility, and thermodynamic stability) performed at Invitae indicates that this missense variant is not expected to disrupt DICER1 protein function with a negative predictive value of 80%. In summary, the available evidence is currently insufficient to determine the role of this variant in disease. Therefore, it has been classified as a Variant of Uncertain Significance.

Baylor Genetics
Classification: Uncertain significance for Global developmental delay - lung cysts - overgrowth - Wilms tumor syndrome. Last evaluated: 2023-11-02. Review status: criteria provided, single submitter. Criteria: ACMG Guidelines, 2015. Collection method: clinical testing. Allele origin: unknown.

NM_177438.3(DICER1):c.5300A>G (p.His1767Arg)

Gene: DICER1 (dicer 1, ribonuclease III; minus strand). Cytogenetic location: 14q32.13.
Variant type: single nucleotide variant.
Coding change: c.5300A>G on transcript NM_177438.3 (MANE Select); coding-DNA position 5300, A replaced by G.
Protein change: p.His1767Arg; replaces histidine 1767 with arginine.
Molecular consequence: missense variant.
Genome position (GRCh38, 1-based): chr14:95,093,952, T>C on the plus strand (A>G on the coding strand, the complement: DICER1 is on the minus strand). VCF-style: chr14-95093952-T-C. GRCh37 (hg19) VCF-style: chr14-95560289-T-C.
Other names: c.5300A>G, p.His1767Arg (NM_001195573.1, NM_001271282.3, NM_001291628.2 and 1 more transcripts); c.5300A>G (NM_177438.2); short protein forms H1767R.
Identifiers: ClinVar variation 1475164 (VCV001475164.11), dbSNP rs1296798488, ClinGen allele CA390865003.
Genomic context (GRCh38, chr14:95,093,952, plus strand): 5'-GAATCCATTCCTTGCATTTCATTCTTCTCAAGCTGAAACTGCACAAAGTCATCAATGACA[T>C]GGAAGAGCTCAGGAGAGACAGCTTTGAAGTACTTGTGGTAGTCGTACTTTACAGCCAGCG-3'
Protein context (NP_803187.1, residues 1757-1777): YFKAVSPELF[His1767Arg]VIDDFVQFQL